The following is an entry in ClinVar:

ClinVar aggregate classification (germline): Uncertain significance (1 of 4 stars; one submission).

Submission:

Labcorp Genetics (formerly Invitae), Labcorp
Classification: Uncertain significance. Last evaluated: 2022-06-13. Review status: criteria provided, single submitter. Criteria: Invitae Variant Classification Sherloc (09022015). Collection method: clinical testing. Allele origin: germline.
Comment: This sequence change replaces isoleucine, which is neutral and non-polar, with leucine, which is neutral and non-polar, at codon 454 of the KPNA7 protein (p.Ile454Leu). This variant is not present in population databases (gnomAD no frequency). This variant has not been reported in the literature in individuals affected with KPNA7-related conditions. Algorithms developed to predict the effect of missense changes on protein structure and function output the following: SIFT: "Tolerated"; PolyPhen-2: "Benign"; Align-GVGD: "Class C0". The leucine amino acid residue is found in multiple mammalian species, which suggests that this missense change does not adversely affect protein function. In summary, the available evidence is currently insufficient to determine the role of this variant in disease. Therefore, it has been classified as a Variant of Uncertain Significance.

NM_001145715.3(KPNA7):c.1360A>C (p.Ile454Leu)

Gene: KPNA7 (karyopherin subunit alpha 7; minus strand). Cytogenetic location: 7q22.1.
Variant type: single nucleotide variant.
Coding change: c.1360A>C on transcript NM_001145715.3 (MANE Select); coding-DNA position 1360, A replaced by C.
Protein change: p.Ile454Leu; replaces isoleucine 454 with leucine.
Molecular consequence: missense variant.
Genome position (GRCh38, 1-based): chr7:99,178,024, T>G on the plus strand (A>C on the coding strand, the complement: KPNA7 is on the minus strand). VCF-style: chr7-99178024-T-G. GRCh37 (hg19) VCF-style: chr7-98775647-T-G.
Other names: short protein forms I454L.
Identifiers: ClinVar variation 1416480 (VCV001416480.6), dbSNP rs2150700754, ClinGen allele CA368417251.
Genomic context (GRCh38, chr7:99,178,024, plus strand): 5'-TTTGACGGTTCTCATGCAGCTGTAAAGCCTCAATTCTATCGATCCCACCAAGTTCTTCTA[T>G]CAGAAGACACAGGTTTTCCTTCTCAGACCGTTTCTCTGCCGCCTGTGACCAAGTACAAGG-3'
Protein context (NP_001139187.1, residues 444-464): RSEKENLCLL[Ile454Leu]EELGGIDRIE